The following is an entry in ClinVar:

ClinVar aggregate classification (germline): Uncertain significance (1 of 4 stars; one submission).

Submission:

GeneDx
Classification: Uncertain significance. Last evaluated: 2022-01-04. Review status: criteria provided, single submitter. Criteria: GeneDx Variant Classification Process June 2021. Collection method: clinical testing. Allele origin: germline. Affected: yes.
Comment: Not observed at significant frequency in large population cohorts (gnomAD); In silico analysis supports that this missense variant has a deleterious effect on protein structure/function; Has not been previously published as pathogenic or benign to our knowledge

NM_017780.4(CHD7):c.4574T>C (p.Leu1525Ser)

Gene: CHD7 (chromodomain helicase DNA binding protein 7; plus strand). Cytogenetic location: 8q12.2.
Variant type: single nucleotide variant.
Coding change: c.4574T>C on transcript NM_017780.4 (MANE Select); coding-DNA position 4574, T replaced by C.
Protein change: p.Leu1525Ser; replaces leucine 1525 with serine.
Molecular consequence: missense variant. On other transcripts: intron variant (1).
Genome position (GRCh38, 1-based): chr8:60,841,684, T>C. VCF-style: chr8-60841684-T-C. GRCh37 (hg19) VCF-style: chr8-61754243-T-C.
Other names: c.1717-20545T>C (NM_001316690.1); short protein forms L1525S.
Identifiers: ClinVar variation 1693435 (VCV001693435.2), dbSNP rs2150786094, ClinGen allele CA371318599.